The following is an entry in ClinVar:

ClinVar aggregate classification (germline): Uncertain significance (1 of 4 stars; one submission).

Conditions:
Emery-Dreifuss muscular dystrophy 5, autosomal dominant (EDMD5). Also called: EMERY-DREIFUSS MUSCULAR DYSTROPHY 5. Identifiers: Orphanet 261, MedGen C2751805, MONDO:0013072, OMIM 612999.

gnomAD v4.1: 1 of 1,614,056 alleles (0.000062%); highest among the groups gnomAD compares: Admixed American, 0.0017%; no homozygotes.

Submission:

Labcorp Genetics (formerly Invitae), Labcorp
Classification: Uncertain significance for Emery-Dreifuss muscular dystrophy 5, autosomal dominant. Last evaluated: 2025-04-19. Review status: criteria provided, single submitter. Criteria: Invitae Variant Classification Sherloc (09022015). Collection method: clinical testing. Allele origin: germline.
Comment: This sequence change replaces aspartic acid, which is acidic and polar, with histidine, which is basic and polar, at codon 5649 of the SYNE2 protein (p.Asp5649His). This variant is present in population databases (no rsID available, gnomAD 0.003%). This variant has not been reported in the literature in individuals affected with SYNE2-related conditions. An algorithm developed to predict the effect of missense changes on protein structure and function (PolyPhen-2) suggests that this variant is likely to be disruptive. Algorithms developed to predict the effect of sequence changes on RNA splicing suggest that this variant may disrupt the consensus splice site. In summary, the available evidence is currently insufficient to determine the role of this variant in disease. Therefore, it has been classified as a Variant of Uncertain Significance.

NM_182914.3(SYNE2):c.16945G>C (p.Asp5649His)

Gene: SYNE2 (spectrin repeat containing nuclear envelope protein 2; plus strand). Cytogenetic location: 14q23.2.
Variant type: single nucleotide variant.
Coding change: c.16945G>C on transcript NM_182914.3 (MANE Select); coding-DNA position 16945, G replaced by C.
Protein change: p.Asp5649His; replaces aspartic acid 5649 with histidine.
Molecular consequence: missense variant.
Genome position (GRCh38, 1-based): chr14:64,168,916, G>C. VCF-style: chr14-64168916-G-C. GRCh37 (hg19) VCF-style: chr14-64635634-G-C.
Other names: c.16945G>C, p.Asp5649His (NM_015180.6); short protein forms D5649H.
Identifiers: ClinVar variation 4755002 (VCV004755002.1).